The following is an entry in ClinVar:

NM_144687.4(NLRP12):c.1757A>C (p.His586Pro)

Gene: NLRP12 (NLR family pyrin domain containing 12; minus strand). Cytogenetic location: 19q13.42.
Variant type: single nucleotide variant.
Coding change: c.1757A>C on transcript NM_144687.4 (MANE Select); coding-DNA position 1757, A replaced by C.
Protein change: p.His586Pro; replaces histidine 586 with proline.
Molecular consequence: missense variant.
Genome position (GRCh38, 1-based): chr19:53,809,902, T>G on the plus strand (A>C on the coding strand, the complement: NLRP12 is on the minus strand). VCF-style: chr19-53809902-T-G. GRCh37 (hg19) VCF-style: chr19-54313156-T-G.
Other names: c.1757A>C, p.His586Pro (NM_001277126.2, NM_001277129.1); short protein forms H586P.
Identifiers: ClinVar variation 1997769 (VCV001997769.4), dbSNP rs748531216, ClinGen allele CA407412704.

ClinVar aggregate classification (germline): Uncertain significance (1 of 4 stars; one submission).

Conditions:
Familial cold autoinflammatory syndrome 2 (FCAS2). Identifiers: Orphanet 247868, MedGen C2673198, MONDO:0012724, OMIM 611762.

Submission:

Labcorp Genetics (formerly Invitae), Labcorp
Classification: Uncertain significance for Familial cold autoinflammatory syndrome 2. Last evaluated: 2026-01-26. Review status: criteria provided, single submitter. Criteria: Invitae Variant Classification Sherloc (09022015). Collection method: clinical testing. Allele origin: germline.
Comment: This sequence change replaces histidine, which is basic and polar, with proline, which is neutral and non-polar, at codon 586 of the NLRP12 protein (p.His586Pro). This variant is not present in population databases (gnomAD no frequency). This variant has not been reported in the literature in individuals affected with NLRP12-related conditions. ClinVar contains an entry for this variant (Variation ID: 1997769). Invitae Evidence Modeling of protein sequence and biophysical properties (such as structural, functional, and spatial information, amino acid conservation, physicochemical variation, residue mobility, and thermodynamic stability) indicates that this missense variant is not expected to disrupt NLRP12 protein function with a negative predictive value of 80%. In summary, the available evidence is currently insufficient to determine the role of this variant in disease. Therefore, it has been classified as a Variant of Uncertain Significance.